The following is an entry in ClinVar:

NM_001041.4(SI):c.1146+1G>A

Gene: SI (sucrase-isomaltase; minus strand). Cytogenetic location: 3q26.1.
Variant type: single nucleotide variant.
Coding change: c.1146+1G>A on transcript NM_001041.4 (MANE Select); the canonical splice donor site of the intron after coding-DNA position 1146, G replaced by A.
Molecular consequence: splice donor variant.
Genome position (GRCh38, 1-based): chr3:165,059,901, C>T on the plus strand (G>A on the coding strand, the complement: SI is on the minus strand). VCF-style: chr3-165059901-C-T. GRCh37 (hg19) VCF-style: chr3-164777689-C-T.
Identifiers: ClinVar variation 2024678 (VCV002024678.4), dbSNP rs776450537, ClinGen allele CA2691184.

ClinVar aggregate classification (germline): Likely pathogenic (1 of 4 stars; one submission).

Allele frequency attached by ClinVar (database versions not stated): ExAC 0.00001.
gnomAD v4.1: 3 of 1,611,034 alleles (0.00019%); highest among the groups gnomAD compares: Non-Finnish European, 0.000085%; no homozygotes.

Submission:

Labcorp Genetics (formerly Invitae), Labcorp
Classification: Likely pathogenic. Last evaluated: 2022-08-19. Review status: criteria provided, single submitter. Criteria: Invitae Variant Classification Sherloc (09022015). Collection method: clinical testing. Allele origin: germline.
Comment: This sequence change affects a donor splice site in intron 10 of the SI gene. It is expected to disrupt RNA splicing. Variants that disrupt the donor or acceptor splice site typically lead to a loss of protein function (PMID: 16199547), and loss-of-function variants in SI are known to be pathogenic (PMID: 16329100, 23103650, 25452324). This variant is present in population databases (rs776450537, gnomAD 0.0009%). This variant has not been reported in the literature in individuals affected with SI-related conditions. Algorithms developed to predict the effect of sequence changes on RNA splicing suggest that this variant may disrupt the consensus splice site. In summary, the currently available evidence indicates that the variant is pathogenic, but additional data are needed to prove that conclusively. Therefore, this variant has been classified as Likely Pathogenic.

Literature cited by the submitters: PubMed 16199547; PubMed 16329100; PubMed 23103650; PubMed 25452324.